The following is an entry in ClinVar:

ClinVar aggregate classification (germline): Uncertain significance (1 of 4 stars; one submission).

Conditions:
Hereditary cancer-predisposing syndrome. Also called: Neoplastic Syndromes, Hereditary; Hereditary Cancer Syndrome; Hereditary neoplastic syndrome; Tumor predisposition. Identifiers: Orphanet 140162, MedGen C0027672, MeSH D009386, MONDO:0015356.

Allele frequency attached by ClinVar (database versions not stated): gnomAD exomes below 0.00001.
gnomAD v4.1: 1 of 1,611,544 alleles (0.000062%); highest among the groups gnomAD compares: South Asian, 0.0011%; no homozygotes.

Submission:

Ambry Genetics
Classification: Uncertain significance for Hereditary cancer-predisposing syndrome. Last evaluated: 2023-05-06. Review status: criteria provided, single submitter. Criteria: Ambry Variant Classification Scheme 2023. Collection method: clinical testing. Allele origin: germline.
Comment: The p.D48G variant (also known as c.143A>G), located in coding exon 1 of the PTCH1 gene, results from an A to G substitution at nucleotide position 143. The aspartic acid at codon 48 is replaced by glycine, an amino acid with similar properties. This amino acid position is conserved. In addition, the in silico prediction for this alteration is inconclusive. Since supporting evidence is limited at this time, the clinical significance of this alteration remains unclear.

NM_000264.5(PTCH1):c.143A>G (p.Asp48Gly)

Genes: PTCH1 (patched 1; minus strand), LOC130002133 (ATAC-STARR-seq lymphoblastoid silent region 20071; plus strand). Cytogenetic location: 9q22.32.
Variant type: single nucleotide variant.
Coding change: c.143A>G on transcript NM_000264.5 (MANE Select); coding-DNA position 143, A replaced by G.
Protein change: p.Asp48Gly; replaces aspartic acid 48 with glycine.
Molecular consequence: missense variant. On other transcripts: non-coding transcript variant (1), intron variant (3).
Genome position (GRCh38, 1-based): chr9:95,508,219, T>C on the plus strand (A>G on the coding strand, the complement: PTCH1 is on the minus strand). VCF-style: chr9-95508219-T-C. GRCh37 (hg19) VCF-style: chr9-98270501-T-C.
Other names: c.143A>G, p.Asp48Gly (NM_001354918.2); c.199-1620A>G (NM_001083603.3); c.4-1620A>G (NM_001083602.3, NM_001354919.2); short protein forms D48G.
Identifiers: ClinVar variation 2564389 (VCV002564389.2), dbSNP rs2118907486, ClinGen allele CA374121361.
Genomic context (GRCh38, chr9:95,508,219, plus strand): 5'-ACCTTGGAAATCTGCTCCAGAGCGAAGGCGGCGTCGCAGTAGCTGGGCCGGTGCAGATAG[T>C]CCCGGTCCGGCGCGGCAGCACGGCGCAGCCCCCCCGTCCGTCTGCGCCTCCCGCCTCCAG-3'
Protein context (NP_000255.2, residues 38-58): GLRRAAAPDR[Asp48Gly]YLHRPSYCDA